The following is an entry in ClinVar:

NM_020699.4(GATAD2B):c.1195C>G (p.Gln399Glu)

Gene: GATAD2B (GATA zinc finger domain containing 2B; minus strand). Cytogenetic location: 1q21.3.
Variant type: single nucleotide variant.
Coding change: c.1195C>G on transcript NM_020699.4 (MANE Select); coding-DNA position 1195, C replaced by G.
Protein change: p.Gln399Glu; replaces glutamine 399 with glutamic acid.
Molecular consequence: missense variant.
Genome position (GRCh38, 1-based): chr1:153,816,294, G>C on the plus strand (C>G on the coding strand, the complement: GATAD2B is on the minus strand). VCF-style: chr1-153816294-G-C. GRCh37 (hg19) VCF-style: chr1-153788770-G-C.
Other names: short protein forms Q399E.
Identifiers: ClinVar variation 1955226 (VCV001955226.5), dbSNP rs2525247660, ClinGen allele CA342526323.

ClinVar aggregate classification (germline): Uncertain significance (1 of 4 stars; one submission).

Allele frequency attached by ClinVar (database versions not stated): gnomAD exomes below 0.00001.
gnomAD v4.1: 1 of 1,612,598 alleles (0.000062%); highest among the groups gnomAD compares: Non-Finnish European, 0.000085%; no homozygotes.

Submission:

Labcorp Genetics (formerly Invitae), Labcorp
Classification: Uncertain significance. Last evaluated: 2022-08-09. Review status: criteria provided, single submitter. Criteria: Invitae Variant Classification Sherloc (09022015). Collection method: clinical testing. Allele origin: germline.
Comment: In summary, the available evidence is currently insufficient to determine the role of this variant in disease. Therefore, it has been classified as a Variant of Uncertain Significance. Algorithms developed to predict the effect of missense changes on protein structure and function are either unavailable or do not agree on the potential impact of this missense change (SIFT: "Not Available"; PolyPhen-2: "Probably Damaging"; Align-GVGD: "Not Available"). This variant has not been reported in the literature in individuals affected with GATAD2B-related conditions. This variant is not present in population databases (gnomAD no frequency). This sequence change replaces glutamine, which is neutral and polar, with glutamic acid, which is acidic and polar, at codon 399 of the GATAD2B protein (p.Gln399Glu).